The following is an entry in ClinVar:

NM_000088.4(COL1A1):c.2274C>T (p.Gly758=)

Gene: COL1A1 (collagen type I alpha 1 chain; minus strand). Cytogenetic location: 17q21.33.
Variant type: single nucleotide variant.
Coding change: c.2274C>T on transcript NM_000088.4 (MANE Select); coding-DNA position 2274, C replaced by T.
Protein change: p.Gly758=; no amino-acid change (glycine 758 retained).
Molecular consequence: synonymous variant.
Genome position (GRCh38, 1-based): chr17:50,190,886, G>A on the plus strand (C>T on the coding strand, the complement: COL1A1 is on the minus strand). VCF-style: chr17-50190886-G-A. GRCh37 (hg19) VCF-style: chr17-48268247-G-A.
Identifiers: ClinVar variation 1168950 (VCV001168950.14), dbSNP rs200111312, ClinGen allele CA8644881.
Genomic context (GRCh38, chr17:50,190,886, plus strand): 5'-AGGGGCACCAGCAGGGCCAGGAGGACCAATGGGGCCAGTCAGACCACGGACGCCATCTTT[G>A]CCAGGAGAGCCATCAGCACCTTTGGGACCAGCATCACCCTAAAGACATGGATAAGCTTGA-3'
Protein context (NP_000079.2, residues 748-768): AGPKGADGSP[Gly758=]KDGVRGLTGP

ClinVar aggregate classification (germline): Benign/Likely benign. Review status: criteria provided, multiple submitters, no conflicts (2 of 4 stars). 5 submissions from 5 submitters: Benign (1); Likely benign (3). 1 of the submissions does not count toward it. Last evaluated 2026-09-21.

Conditions:
COL1A1-related disorder. Also called: COL1A1- related disease; COL1A1-related condition.
Cardiovascular phenotype. Identifiers: MedGen CN230736.
Osteogenesis imperfecta type I (OI1). Also called: OI, TYPE I; OSTEOGENESIS IMPERFECTA TARDA; OSTEOGENESIS IMPERFECTA WITH BLUE SCLERAE; Osteogenesis imperfecta type 1; Lobstein's Disease; Lobstein disease. Identifiers: Orphanet 216796, Orphanet 666, MedGen C0023931, MONDO:0008146, OMIM 166200. Disease mechanism: loss of function.

Allele frequency attached by ClinVar (database versions not stated): TOPMed 0.00004; gnomAD exomes 0.00010 and 0.00002; gnomAD 0.00001 and 0.00005; 1000 Genomes Project 0.00100; ExAC 0.00011; 1000 Genomes Project 30x 0.00125.
gnomAD v4.1: 49 of 1,613,872 alleles (0.003%); highest among the groups gnomAD compares: East Asian, 0.049%; no homozygotes.

Submissions (5):

Molecular Diagnostic Laboratory for Inherited Cardiovascular Disease, Montreal Heart Institute
Classification: Likely benign. Last evaluated: 2026-09-21. Review status: criteria provided, single submitter. Criteria: ACMG Guidelines, 2015. Collection method: clinical testing. Allele origin: germline. Affected: no.
Comment: BS1;BP7

Labcorp Genetics (formerly Invitae), Labcorp
Classification: Benign for Osteogenesis imperfecta type I. Last evaluated: 2026-01-06. Review status: criteria provided, single submitter. Criteria: Invitae Variant Classification Sherloc (09022015). Collection method: clinical testing. Allele origin: germline.

Blueprint Genetics
Classification: Likely benign. Last evaluated: 2024-10-23. Review status: criteria provided, single submitter. Criteria: ACMG Guidelines, 2015. Collection method: clinical testing. Allele origin: germline.

Ambry Genetics
Classification: Likely benign for Cardiovascular phenotype. Last evaluated: 2022-06-09. Review status: criteria provided, single submitter. Criteria: Ambry Variant Classification Scheme 2023. Collection method: clinical testing. Allele origin: germline.

PreventionGenetics, part of Exact Sciences
Classification: Likely benign for COL1A1-related condition. Last evaluated: 2024-05-14. Review status: no assertion criteria provided. Collection method: clinical testing. Allele origin: germline. Not counted in ClinVar's aggregate classification.
Comment: This variant is classified as likely benign based on ACMG/AMP sequence variant interpretation guidelines (Richards et al. 2015 PMID: 25741868, with internal and published modifications).